The following is an entry in ClinVar:

NM_001384474.1(LOXHD1):c.6106_6107insA (p.Leu2036fs)

Gene: LOXHD1 (lipoxygenase homology PLAT domains 1; minus strand). Cytogenetic location: 18q21.1.
Variant type: Insertion.
Coding change: c.6106_6107insA on transcript NM_001384474.1 (MANE Select); coding-DNA positions 6106 to 6107, A inserted.
Protein change: p.Leu2036fs; shifts the reading frame from leucine 2036.
Molecular consequence: frameshift variant.
Genome position: GRCh38 VCF-style: chr18-46485094-A-AT. GRCh37 (hg19) VCF-style: chr18-44065057-A-AT.
Other names: c.2773_2774insA, p.Leu925fs (NM_001145472.3); c.823_824insA, p.Leu275fs (NM_001145473.3, NM_001173129.2); c.2485_2486insA, p.Leu829fs (NM_001308013.2); c.5920_5921insA, p.Leu1974fs (NM_144612.7); short protein forms L1974fs, L2036fs, L275fs, L829fs, L925fs.
Identifiers: ClinVar variation 1724401 (VCV001724401.2), dbSNP rs2511374242, ClinGen allele CA2580095752.

ClinVar aggregate classification (germline): Likely pathogenic (1 of 4 stars; one submission).

Conditions:
Autosomal recessive nonsyndromic hearing loss 77. Identifiers: Orphanet 90636, MedGen C2746083, MONDO:0013119, OMIM 613079.

Submission:

Myriad Genetics, Inc.
Classification: Likely pathogenic for Autosomal recessive nonsyndromic hearing loss 77. Last evaluated: 2022-02-12. Review status: criteria provided, single submitter. Criteria: Myriad Women's Health Autosomal Recessive and X-Linked Classification Criteria (2021). Collection method: clinical testing. Allele origin: unknown.
Comment: NM_144612.6(LOXHD1):c.5920_5921insA(L1974Hfs*20) is expected to be pathogenic in the context of LOXHD1-related DFNB77 hearing loss and deafness. This variant is predicted to lead to an abnormal or absent protein product due to the creation of a premature termination codon in LOXHD1, a gene where loss-of-function variants are known to be pathogenic. Please note: this variant was assessed in the context of healthy population screening.